The following is an entry in ClinVar:

ClinVar aggregate classification (germline): Uncertain significance (1 of 4 stars; one submission).

Conditions:
Severe combined immunodeficiency due to DCLRE1C deficiency (RS-SCID). Also called: SCID, AUTOSOMAL RECESSIVE, T CELL-NEGATIVE, B CELL-NEGATIVE, NK CELL-POSITIVE, WITH SENSITIVITY TO IONIZING RADIATION. Identifiers: Orphanet 275, MedGen C1865371, MONDO:0011225, OMIM 602450.

Allele frequency attached by ClinVar (database versions not stated): gnomAD exomes below 0.00001.
gnomAD v4.1: 1 of 1,613,858 alleles (0.000062%); highest among the groups gnomAD compares: East Asian, 0.0022%; no homozygotes.

Submission:

Labcorp Genetics (formerly Invitae), Labcorp
Classification: Uncertain significance for Athabaskan severe combined immunodeficiency. Last evaluated: 2022-10-04. Review status: criteria provided, single submitter. Criteria: Invitae Variant Classification Sherloc (09022015). Collection method: clinical testing. Allele origin: germline.
Comment: This sequence change replaces lysine, which is basic and polar, with asparagine, which is neutral and polar, at codon 404 of the DCLRE1C protein (p.Lys404Asn). This variant is present in population databases (no rsID available, gnomAD 0.006%). This variant has not been reported in the literature in individuals affected with DCLRE1C-related conditions. Advanced modeling of protein sequence and biophysical properties (such as structural, functional, and spatial information, amino acid conservation, physicochemical variation, residue mobility, and thermodynamic stability) performed at Invitae indicates that this missense variant is not expected to disrupt DCLRE1C protein function. In summary, the available evidence is currently insufficient to determine the role of this variant in disease. Therefore, it has been classified as a Variant of Uncertain Significance.

NM_001033855.3(DCLRE1C):c.1212A>T (p.Lys404Asn)

Gene: DCLRE1C (DNA cross-link repair 1C; minus strand). Cytogenetic location: 10p13.
Variant type: single nucleotide variant.
Coding change: c.1212A>T on transcript NM_001033855.3 (MANE Select); coding-DNA position 1212, A replaced by T.
Protein change: p.Lys404Asn; replaces lysine 404 with asparagine.
Molecular consequence: missense variant. On other transcripts: non-coding transcript variant (4).
Genome position (GRCh38, 1-based): chr10:14,909,275, T>A on the plus strand (A>T on the coding strand, the complement: DCLRE1C is on the minus strand). VCF-style: chr10-14909275-T-A. GRCh37 (hg19) VCF-style: chr10-14951274-T-A.
Other names: c.852A>T, p.Lys284Asn (NM_001033857.3, NM_001033858.3, NM_001289077.2 and 2 more transcripts); c.867A>T, p.Lys289Asn (NM_001289076.2, NM_001289078.2, NM_001350966.2 and 1 more transcripts); c.1212A>T, p.Lys404Asn (NM_001350965.2); short protein forms K404N, K284N, K289N.
Identifiers: ClinVar variation 2149025 (VCV002149025.1), dbSNP rs1338760482, ClinGen allele CA376076716.
Genomic context (GRCh38, chr10:14,909,275, plus strand): 5'-CTTTTCTGATACTGCAGTCATTGAAAATACCTCAGGGTGAAAAGTTTCCGGGTATGGAAC[T>A]TTGTGCCTTAAAGGTATTGGCAGAGGATCATCAAAGAGATAGTCATCTTCCTCCTCTGTG-3'
Protein context (NP_001029027.1, residues 394-414): DDPLPIPLRH[Lys404Asn]VPYPETFHPE